The following is an entry in ClinVar:

NM_017617.5(NOTCH1):c.153C>T (p.Ala51=)

Gene: NOTCH1 (notch receptor 1; minus strand). Cytogenetic location: 9q34.3.
Variant type: single nucleotide variant.
Coding change: c.153C>T on transcript NM_017617.5 (MANE Select); coding-DNA position 153, C replaced by T.
Protein change: p.Ala51=; no amino-acid change (alanine 51 retained).
Molecular consequence: synonymous variant.
Genome position (GRCh38, 1-based): chr9:136,523,967, G>A on the plus strand (C>T on the coding strand, the complement: NOTCH1 is on the minus strand). VCF-style: chr9-136523967-G-A. GRCh37 (hg19) VCF-style: chr9-139418419-G-A.
Other names: c.153C>T, p.Ala51= (LRG_1122t1).
Identifiers: ClinVar variation 477878 (VCV000477878.15), dbSNP rs748048002, ClinGen allele CA5342239.
Genomic context (GRCh38, chr9:136,523,967, plus strand): 5'-GGCGTTCTTGCAGGGGGTGCTGAGGCACGGGTTGGGGTCCTGGCATCGCGGGCCCACGAA[G>A]GCCCCGCCACAGCTGTTGGCAGATGTGCCAGGGCAGTTAGTTCCCACCTGCTTCCCCAGC-3'
Protein context (NP_060087.3, residues 41-61): NGTEACVCGG[Ala51=]FVGPRCQDPN

ClinVar aggregate classification (germline): Conflicting classifications of pathogenicity. Review status: criteria provided, conflicting classifications (1 of 4 stars). 3 submissions from 3 submitters: Uncertain significance (1); Likely benign (2). Last evaluated 2026-01-27.

Conditions:
Adams-Oliver syndrome 5 (AOS5). Identifiers: Orphanet 974, MedGen C4014970, MONDO:0014459, OMIM 616028.
Familial thoracic aortic aneurysm and aortic dissection (TAAD). Also called: Thoracic aortic aneurysms and dissections. Identifiers: Orphanet 91387, MedGen C4707243, MONDO:0019625.

Allele frequency attached by ClinVar (database versions not stated): gnomAD 0.00001; gnomAD exomes 0.00010; 1000 Genomes Project 30x 0.00016; ExAC 0.00022.
gnomAD v4.1: 39 of 1,555,196 alleles (0.0025%); highest among the groups gnomAD compares: South Asian, 0.041%; no homozygotes.

Submissions (3):

GeneDx
Classification: Uncertain significance. Last evaluated: 2026-01-27. Review status: criteria provided, single submitter. Criteria: GeneDx Variant Classification Process June 2021. Collection method: clinical testing. Allele origin: germline.
Comment: In silico analysis suggests that this variant does not alter splicing; Has not been previously published as pathogenic or benign to our knowledge

Labcorp Genetics (formerly Invitae), Labcorp
Classification: Likely benign for Adams-Oliver syndrome 5. Last evaluated: 2022-09-27. Review status: criteria provided, single submitter. Criteria: Invitae Variant Classification Sherloc (09022015). Collection method: clinical testing. Allele origin: germline.

Ambry Genetics
Classification: Likely benign for Familial thoracic aortic aneurysm and aortic dissection. Last evaluated: 2022-08-01. Review status: criteria provided, single submitter. Criteria: Ambry Variant Classification Scheme 2023. Collection method: clinical testing. Allele origin: germline.